The following is an entry in ClinVar:

ClinVar aggregate classification (germline): Uncertain significance. Review status: criteria provided, multiple submitters, no conflicts (2 of 4 stars). 3 submissions from 3 submitters: Uncertain significance (3). Last evaluated 2025-04-25.

Conditions:
Birt-Hogg-Dube syndrome. Also called: Birt Hogg Dubé syndrome. Identifiers: Orphanet 122, MedGen C0346010, MONDO:0800444.
Hereditary cancer-predisposing syndrome. Also called: Neoplastic Syndromes, Hereditary; Hereditary Cancer Syndrome; Tumor predisposition; Hereditary neoplastic syndrome. Identifiers: Orphanet 140162, MedGen C0027672, MeSH D009386, MONDO:0015356.

Allele frequency attached by ClinVar (database versions not stated): TOPMed below 0.00001; gnomAD 0.00001.
gnomAD v4.1: 2 of 1,614,078 alleles (0.00012%); highest among the groups gnomAD compares: African/African-American, 0.0027%; no homozygotes.

Submissions (3):

Ambry Genetics
Classification: Uncertain significance for Hereditary cancer-predisposing syndrome. Last evaluated: 2025-04-25. Review status: criteria provided, single submitter. Criteria: Ambry Variant Classification Scheme 2023. Collection method: clinical testing. Allele origin: germline.
Comment: The p.K462M variant (also known as c.1385A>T), located in coding exon 9 of the FLCN gene, results from an A to T substitution at nucleotide position 1385. The lysine at codon 462 is replaced by methionine, an amino acid with similar properties. This amino acid position is highly conserved in available vertebrate species. In addition, the in silico prediction for this alteration is inconclusive. Since supporting evidence is limited at this time, the clinical significance of this alteration remains unclear.

Labcorp Genetics (formerly Invitae), Labcorp
Classification: Uncertain significance for Birt-Hogg-Dube syndrome. Last evaluated: 2024-10-01. Review status: criteria provided, single submitter. Criteria: Invitae Variant Classification Sherloc (09022015). Collection method: clinical testing. Allele origin: germline.
Comment: This sequence change replaces lysine, which is basic and polar, with methionine, which is neutral and non-polar, at codon 462 of the FLCN protein (p.Lys462Met). This variant is present in population databases (no rsID available, gnomAD 0.01%). This variant has not been reported in the literature in individuals affected with FLCN-related conditions. ClinVar contains an entry for this variant (Variation ID: 1316402). Invitae Evidence Modeling of protein sequence and biophysical properties (such as structural, functional, and spatial information, amino acid conservation, physicochemical variation, residue mobility, and thermodynamic stability) indicates that this missense variant is not expected to disrupt FLCN protein function with a negative predictive value of 80%. RNA analysis performed to evaluate the impact of this missense change on mRNA splicing indicates it does not significantly alter splicing (internal data). In summary, the available evidence is currently insufficient to determine the role of this variant in disease. Therefore, it has been classified as a Variant of Uncertain Significance.

GeneDx
Classification: Uncertain significance. Last evaluated: 2021-02-12. Review status: criteria provided, single submitter. Criteria: GeneDx Variant Classification Process June 2021. Collection method: clinical testing. Allele origin: germline. Affected: yes.
Comment: Not observed at a significant frequency in large population cohorts (Lek 2016); In silico analysis supports that this missense variant does not alter protein structure/function; Has not been previously published as pathogenic or benign to our knowledge; This variant is associated with the following publications: (PMID: 33137092)

NM_144997.7(FLCN):c.1385A>T (p.Lys462Met)

Gene: FLCN (folliculin; minus strand). Cytogenetic location: 17p11.2.
Variant type: single nucleotide variant.
Coding change: c.1385A>T on transcript NM_144997.7 (MANE Select); coding-DNA position 1385, A replaced by T.
Protein change: p.Lys462Met; replaces lysine 462 with methionine.
Molecular consequence: missense variant.
Genome position (GRCh38, 1-based): chr17:17,215,232, T>A on the plus strand (A>T on the coding strand, the complement: FLCN is on the minus strand). VCF-style: chr17-17215232-T-A. GRCh37 (hg19) VCF-style: chr17-17118546-T-A.
Other names: c.1439A>T, p.Lys480Met (NM_001353229.2); c.1385A>T, p.Lys462Met (NM_001353230.2, NM_001353231.2); short protein forms K462M, K480M.
Identifiers: ClinVar variation 1316402 (VCV001316402.10), dbSNP rs1567807684, ClinGen allele CA398531252.
Genomic context (GRCh38, chr17:17,215,232, plus strand): 5'-TGGGGGCACCCACCTCGGTCTGCAGCTACAGGGCTCCCACTGGTCACCACAAACTCGTAC[T>A]TGCTGAGAGACTGGTCATCCTCACACCCCACAGGGTGGAGGGTGGAACGTGCGGCTGCGT-3'
Protein context (NP_659434.2, residues 452-472): VGCEDDQSLS[Lys462Met]YEFVVTSGSP